The following is an entry in ClinVar:

ClinVar aggregate classification (germline): Likely pathogenic (1 of 4 stars; one submission).

Conditions:
PKD1-related disorder. Also called: PKD1-related condition.

Submission:

PreventionGenetics, part of Exact Sciences
Classification: Likely pathogenic for PKD1-related condition. Last evaluated: 2023-04-06. Review status: criteria provided, single submitter. Criteria: ACMG Guidelines, 2015. Collection method: clinical testing. Allele origin: germline.
Comment: The PKD1 c.4697_4698delTG variant is predicted to result in a frameshift and premature protein termination (p.Val1566Glufs*11). To our knowledge, this variant has not been reported in the literature or in a large population database, indicating this variant is rare. Frameshift variants in PKD1 are expected to be pathogenic. This variant is interpreted as likely pathogenic.

NM_001009944.3(PKD1):c.4697_4698del (p.Val1566fs)

Gene: PKD1 (polycystin 1, transient receptor potential channel interacting; minus strand). Cytogenetic location: 16p13.3.
Variant type: Deletion.
Coding change: c.4697_4698del on transcript NM_001009944.3 (MANE Select); coding-DNA positions 4697 to 4698, 2 bases deleted (TG; older notation c.4697_4698delTG).
Protein change: p.Val1566fs; shifts the reading frame from valine 1566.
Molecular consequence: frameshift variant.
Genome position (GRCh38, 1-based): chr16:2,110,469-2,110,470, CA deleted on the plus strand (TG on the coding strand, the reverse complement: PKD1 is on the minus strand); deleting any 2 consecutive bases within chr16:2,110,469-2,110,471 gives the same sequence; the c. name uses the placement nearest the transcript's 3' end. VCF-style (leftmost placement, unchanged base first): chr16-2110468-TCA-T. GRCh37 (hg19) VCF-style: chr16-2160469-TCA-T.
Other names: c.4697_4698del, p.Val1566fs (NM_000296.4); c.4697_4698delTG (NM_001009944.2); short protein forms V1566fs.
Identifiers: ClinVar variation 2633482 (VCV002633482.1), dbSNP rs2544819296, ClinGen allele CA2695197398.